The following is an entry in ClinVar:

ClinVar aggregate classification (germline): Benign/Likely benign. Review status: criteria provided, multiple submitters, no conflicts (2 of 4 stars). 2 submissions from 2 submitters: Benign (1); Likely benign (1). Last evaluated 2026-06-24.

Conditions:
Retinoblastoma (RB1). Also called: RETINOBLASTOMA, SOMATIC. Identifiers: Orphanet 790, MedGen C0035335, MeSH D012175, MONDO:0008380, OMIM 180200, HP:0009919. Disease mechanism: loss of function. Inheritance: Both sporadic and heritable forms are tested..

Submissions (2):

Myriad Genetics, Inc.
Classification: Benign for Retinoblastoma. Last evaluated: 2026-06-24. Review status: criteria provided, single submitter. Criteria: Myriad Autosomal Dominant, Autosomal Recessive and X-Linked Classification Criteria (2023). Collection method: clinical testing. Allele origin: unknown.
Comment: This variant is considered benign. This variant is intronic and is not expected to impact mRNA splicing.

Blueprint Genetics
Classification: Likely benign. Last evaluated: 2024-10-24. Review status: criteria provided, single submitter. Criteria: ACMG Guidelines, 2015. Collection method: clinical testing. Allele origin: germline.

NM_000321.3(RB1):c.1421+28T>A

Gene: RB1 (RB transcriptional corepressor 1; plus strand). Cytogenetic location: 13q14.2.
Variant type: single nucleotide variant.
Coding change: c.1421+28T>A on transcript NM_000321.3 (MANE Select); 28 bases into the intron after coding-DNA position 1421, T replaced by A.
Molecular consequence: intron variant.
Genome position (GRCh38, 1-based): chr13:48,380,112, T>A. VCF-style: chr13-48380112-T-A. GRCh37 (hg19) VCF-style: chr13-48954248-T-A.
Other names: c.1421+28T>A (NM_001407165.1, NM_001407166.1).
Identifiers: ClinVar variation 4875992 (VCV004875992.2).
Genomic context (GRCh38, chr13:48,380,112, plus strand): 5'-GGAAGAAGAACGATTATCCATTCAAAATTTTAGGTAAATTTTTTACTTTTAGTAAAAAAT[T>A]TTTTTCTTTTTATAGAAGTAAGTATTTTATAATCTTTTTTTTTTTCCTTTAGCAAACTTC-3'